The following is an entry in ClinVar:

NM_000023.4(SGCA):c.157+1G>A

Gene: SGCA (sarcoglycan alpha; plus strand). Cytogenetic location: 17q21.33.
Variant type: single nucleotide variant.
Coding change: c.157+1G>A on transcript NM_000023.4 (MANE Select); the canonical splice donor site of the intron after coding-DNA position 157, G replaced by A.
Molecular consequence: splice donor variant.
Genome position (GRCh38, 1-based): chr17:50,167,488, G>A. VCF-style: chr17-50167488-G-A. GRCh37 (hg19) VCF-style: chr17-48244849-G-A.
Other names: c.157+1G>A (NM_001135697.3).
Identifiers: ClinVar variation 847344 (VCV000847344.13), dbSNP rs113109898, ClinGen allele CA400177026.

ClinVar aggregate classification (germline): Pathogenic. Review status: criteria provided, multiple submitters, no conflicts (2 of 4 stars). 4 submissions from 4 submitters: Pathogenic (4). Last evaluated 2023-07-27.

Conditions:
Autosomal recessive limb-girdle muscular dystrophy type 2D (LGMDR3). Also called: ADHALINOPATHY, PRIMARY; MUSCULAR DYSTROPHY, LIMB-GIRDLE, AUTOSOMAL RECESSIVE 3; DUCHENNE-LIKE AUTOSOMAL RECESSIVE MUSCULAR DYSTROPHY, TYPE 2. Identifiers: Orphanet 62, MedGen C2936332, MONDO:0011968, OMIM 608099. Disease mechanism: Affects gamma-sarcoglycan and also disrupts the integrity of the entire sarcoglycan complex..

Allele frequency attached by ClinVar (database versions not stated): gnomAD 0.00001; gnomAD exomes 0.00001; TOPMed 0.00001.
gnomAD v4.1: 14 of 1,614,062 alleles (0.00087%); highest among the groups gnomAD compares: Non-Finnish European, 0.0012%; no homozygotes.

Submissions (4):

Labcorp Genetics (formerly Invitae), Labcorp
Classification: Pathogenic for Autosomal recessive limb-girdle muscular dystrophy type 2D. Last evaluated: 2023-07-27. Review status: criteria provided, single submitter. Criteria: Invitae Variant Classification Sherloc (09022015). Collection method: clinical testing. Allele origin: germline.
Comment: For these reasons, this variant has been classified as Pathogenic. Algorithms developed to predict the effect of sequence changes on RNA splicing suggest that this variant may disrupt the consensus splice site. ClinVar contains an entry for this variant (Variation ID: 847344). Disruption of this splice site has been observed in individuals with SGCA-related conditions (PMID: 17562833, 30919934). This variant is not present in population databases (gnomAD no frequency). This sequence change affects a donor splice site in intron 2 of the SGCA gene. It is expected to disrupt RNA splicing. Variants that disrupt the donor or acceptor splice site typically lead to a loss of protein function (PMID: 16199547), and loss-of-function variants in SGCA are known to be pathogenic (PMID: 9192266).

Baylor Genetics
Classification: Pathogenic for Autosomal recessive limb-girdle muscular dystrophy type 2D. Last evaluated: 2023-07-24. Review status: criteria provided, single submitter. Criteria: ACMG Guidelines, 2015. Collection method: clinical testing. Allele origin: unknown.

Genome-Nilou Lab
Classification: Pathogenic for Autosomal recessive limb-girdle muscular dystrophy type 2D. Last evaluated: 2023-02-08. Review status: criteria provided, single submitter. Criteria: ACMG Guidelines, 2015. Collection method: clinical testing. Allele origin: germline.

Fulgent Genetics
Classification: Pathogenic for Autosomal recessive limb-girdle muscular dystrophy type 2D. Last evaluated: 2021-07-29. Review status: criteria provided, single submitter. Criteria: ACMG Guidelines, 2015. Collection method: clinical testing. Allele origin: unknown.

Literature cited by the submitters: PubMed 17562833 (cited by Labcorp Genetics (formerly Invitae), Labcorp); PubMed 30919934 (cited by Labcorp Genetics (formerly Invitae), Labcorp); PubMed 16199547 (cited by Labcorp Genetics (formerly Invitae), Labcorp); PubMed 9192266 (cited by Labcorp Genetics (formerly Invitae), Labcorp).